The following is an entry in ClinVar:

ClinVar aggregate classification (germline): Uncertain significance. Review status: criteria provided, multiple submitters, no conflicts (2 of 4 stars). 2 submissions from 2 submitters: Uncertain significance (2). Last evaluated 2026-01-08.

Conditions:
Kleefstra syndrome 1 (KLEFS1). Identifiers: Orphanet 261494, MedGen C0795833, MONDO:0027407, OMIM 610253.

Allele frequency attached by ClinVar (database versions not stated): TOPMed below 0.00001; gnomAD 0.00001.
gnomAD v4.1: 2 of 1,613,994 alleles (0.00012%); highest among the groups gnomAD compares: African/African-American, 0.0013%; no homozygotes.

Submissions (2):

GeneDx
Classification: Uncertain significance. Last evaluated: 2026-01-08. Review status: criteria provided, single submitter. Criteria: GeneDx Variant Classification Process June 2021. Collection method: clinical testing. Allele origin: germline.
Comment: Not observed at significant frequency in large population cohorts (gnomAD); In silico analysis suggests that this missense variant does not alter protein structure/function; Has not been previously published as pathogenic or benign to our knowledge

Labcorp Genetics (formerly Invitae), Labcorp
Classification: Uncertain significance for Kleefstra syndrome 1. Last evaluated: 2023-12-21. Review status: criteria provided, single submitter. Criteria: Invitae Variant Classification Sherloc (09022015). Collection method: clinical testing. Allele origin: germline.
Comment: This sequence change replaces leucine, which is neutral and non-polar, with valine, which is neutral and non-polar, at codon 249 of the EHMT1 protein (p.Leu249Val). This variant is not present in population databases (gnomAD no frequency). This variant has not been reported in the literature in individuals affected with EHMT1-related conditions. ClinVar contains an entry for this variant (Variation ID: 1415743). Advanced modeling of protein sequence and biophysical properties (such as structural, functional, and spatial information, amino acid conservation, physicochemical variation, residue mobility, and thermodynamic stability) performed at Invitae indicates that this missense variant is not expected to disrupt EHMT1 protein function with a negative predictive value of 80%. In summary, the available evidence is currently insufficient to determine the role of this variant in disease. Therefore, it has been classified as a Variant of Uncertain Significance.

NM_024757.5(EHMT1):c.745C>G (p.Leu249Val)

Gene: EHMT1 (euchromatic histone lysine methyltransferase 1; plus strand). Cytogenetic location: 9q34.3.
Variant type: single nucleotide variant.
Coding change: c.745C>G on transcript NM_024757.5 (MANE Select); coding-DNA position 745, C replaced by G.
Protein change: p.Leu249Val; replaces leucine 249 with valine.
Molecular consequence: missense variant.
Genome position (GRCh38, 1-based): chr9:137,728,451, C>G. VCF-style: chr9-137728451-C-G. GRCh37 (hg19) VCF-style: chr9-140622903-C-G.
Other names: c.745C>G (NM_024757.4); c.745C>G, p.Leu249Val (NM_001145527.2, NM_001354263.2, NM_001354611.2); c.652C>G, p.Leu218Val (NM_001354259.2, NM_001354612.2); short protein forms L218V, L249V.
Identifiers: ClinVar variation 1415743 (VCV001415743.7), dbSNP rs1190104648, ClinGen allele CA375772131.